The following is an entry in ClinVar:

ClinVar aggregate classification (germline): Likely benign. Review status: criteria provided, single submitter (1 of 4 stars). 2 submissions from 2 submitters: Likely benign (1). 1 of the submissions does not count toward it. Last evaluated 2023-12-04.

Conditions:
DHX37-related disorder. Also called: DHX37-related condition; DHX37-Related Disorders.

Allele frequency attached by ClinVar (database versions not stated): ESP Exome Variant Server 0.00015; ExAC 0.00016; gnomAD 0.00017; TOPMed 0.00023.
gnomAD v4.1: 358 of 1,613,964 alleles (0.022%); highest among the groups gnomAD compares: Middle Eastern, 0.033%; 1 homozygote.

Submissions (2):

Labcorp Genetics (formerly Invitae), Labcorp
Classification: Likely benign. Last evaluated: 2023-12-04. Review status: criteria provided, single submitter. Criteria: Invitae Variant Classification Sherloc (09022015). Collection method: clinical testing. Allele origin: germline.

PreventionGenetics, part of Exact Sciences
Classification: Likely benign for DHX37-related condition. Last evaluated: 2019-11-08. Review status: no assertion criteria provided. Collection method: clinical testing. Allele origin: germline. Not counted in ClinVar's aggregate classification.
Comment: This variant is classified as likely benign based on ACMG/AMP sequence variant interpretation guidelines (Richards et al. 2015 PMID: 25741868, with internal and published modifications).

NM_032656.4(DHX37):c.3186G>A (p.Lys1062=)

Gene: DHX37 (DEAH-box helicase 37; minus strand). Cytogenetic location: 12q24.31.
Variant type: single nucleotide variant.
Coding change: c.3186G>A on transcript NM_032656.4 (MANE Select); coding-DNA position 3186, G replaced by A.
Protein change: p.Lys1062=; no amino-acid change (lysine 1062 retained).
Molecular consequence: synonymous variant.
Genome position (GRCh38, 1-based): chr12:124,950,179, C>T on the plus strand (G>A on the coding strand, the complement: DHX37 is on the minus strand). VCF-style: chr12-124950179-C-T. GRCh37 (hg19) VCF-style: chr12-125434725-C-T.
Other names: c.3186G>A (NM_032656.3).
Identifiers: ClinVar variation 2045021 (VCV002045021.6), dbSNP rs368319156, ClinGen allele CA6871323.